The following is an entry in ClinVar:

NM_080425.4(GNAS):c.1199C>A (p.Ala400Asp)

Gene: GNAS (GNAS complex locus; plus strand). Cytogenetic location: 20q13.32.
Variant type: single nucleotide variant.
Coding change: c.1199C>A on transcript NM_080425.4 (MANE Plus Clinical); coding-DNA position 1199, C replaced by A.
Protein change: p.Ala400Asp; replaces alanine 400 with aspartic acid.
Molecular consequence: missense variant. On other transcripts: intron variant (3).
Genome position (GRCh38, 1-based): chr20:58,854,464, C>A. VCF-style: chr20-58854464-C-A. GRCh37 (hg19) VCF-style: chr20-57429519-C-A.
Other names: c.1012C>A, p.Pro338Thr (NM_001077490.3, NM_001309883.1); c.1199C>A, p.Ala400Asp (NM_001410913.1); c.*42+13578C>A (NM_016592.5); c.43+13578C>A (NM_001410912.1); c.-39+12589C>A (NM_001309861.2); short protein forms A400D, P338T.
Identifiers: ClinVar variation 3057851 (VCV003057851.3), dbSNP rs780683471, ClinGen allele CA9926643.

ClinVar aggregate classification (germline): Uncertain significance (1 of 4 stars; one submission).

Conditions:
GNAS-related disorder. Identifiers: MedGen CN380105.

Allele frequency attached by ClinVar (database versions not stated): gnomAD 0.00002; TOPMed 0.00002; ExAC 0.00003.

Submission:

PreventionGenetics, part of Exact Sciences
Classification: Uncertain significance for GNAS-related condition. Last evaluated: 2025-07-03. Review status: criteria provided, single submitter. Criteria: ACMG Guidelines, 2015. Collection method: clinical testing. Allele origin: germline.
Comment: The GNAS c.1199C>A variant is predicted to result in the amino acid substitution p.Ala400Asp. This variant corresponds to a pre-coding position in the primary transcript for this gene (NM_000516:c.-37263C>A). To our knowledge, this variant has not been reported in the literature. To our knowledge, this variant has not been reported in the literature. This variant is reported in 0.010% of alleles in individuals of African descent in gnomAD. At this time, the clinical significance of this variant is uncertain due to the absence of conclusive functional and genetic evidence.